The following is an entry in ClinVar:

ClinVar aggregate classification (germline): Conflicting classifications of pathogenicity. Review status: criteria provided, conflicting classifications (1 of 4 stars). 5 submissions from 5 submitters: Pathogenic (2); Likely pathogenic (1); Uncertain significance (1). 1 of the submissions does not count toward it. Last evaluated 2025-11-21.

Conditions:
Hereditary cancer-predisposing syndrome. Also called: Tumor predisposition; Hereditary neoplastic syndrome; Neoplastic Syndromes, Hereditary; Hereditary Cancer Syndrome. Identifiers: Orphanet 140162, MedGen C0027672, MeSH D009386, MONDO:0015356.
Clear cell carcinoma of kidney. Also called: Renal cell carcinoma, clear cell, somatic; Clear cell renal cell carcinoma; Clear cell RCC; Cystic-multilocular variant; Clear-cell metastatic renal cell carcinoma (subtype); Clear cell renal carcinoma. Identifiers: Orphanet 319276, MedGen C0279702, MONDO:0005005, HP:0006770.
BAP1-related tumor predisposition syndrome (TPDS1). Also called: Tumor susceptibility linked to germline BAP1 mutations; TUMOR PREDISPOSITION SYNDROME 1; BAP1 tumor predisposition syndrome; COMMON Syndrome. Identifiers: Orphanet 289539, MedGen C3280492, MONDO:0013692, OMIM 614327.

Allele frequency attached by ClinVar (database versions not stated): gnomAD exomes below 0.00001.

Submissions (5):

Labcorp Genetics (formerly Invitae), Labcorp
Classification: Pathogenic for BAP1-related tumor predisposition syndrome. Last evaluated: 2025-11-21. Review status: criteria provided, single submitter. Criteria: Invitae Variant Classification Sherloc (09022015). Collection method: clinical testing. Allele origin: germline.
Comment: This sequence change replaces arginine, which is basic and polar, with tryptophan, which is neutral and slightly polar, at codon 179 of the BAP1 protein (p.Arg179Trp). This variant is not present in population databases (gnomAD no frequency). This missense change has been observed in individuals with BAP1-related conditions (PMID: 35483881, 35992853, 38969833; external communication, internal data). ClinVar contains an entry for this variant (Variation ID: 861467). Invitae Evidence Modeling of protein sequence and biophysical properties (such as structural, functional, and spatial information, amino acid conservation, physicochemical variation, residue mobility, and thermodynamic stability) indicates that this missense variant is expected to disrupt BAP1 protein function with a positive predictive value of 80%. For these reasons, this variant has been classified as Pathogenic.

Color Diagnostics, LLC DBA Color Health
Classification: Likely pathogenic for Hereditary cancer-predisposing syndrome. Last evaluated: 2025-10-23. Review status: criteria provided, single submitter. Criteria: ACMG Guidelines, 2015. Collection method: clinical testing. Allele origin: germline.
Comment: This missense variant replaces arginine with tryptophan at codon 179 of the BAP1 protein. Computational prediction is inconclusive regarding the impact of this variant on protein structure and function. This variant disrupted function in a saturation genome editing haploid cell survival assay and in a separate functional study conducted in vitro (PMID: 38969833, 41015595). This variant has been reported in individuals affected with uveal melanoma, mesothelioma, and/or renal cancer (PMID: 35483881, 35992853, 38969833ClinVar Accession: SCV001233081.5, SCV002107403.3, SCV002641592.4). This variant has been identified in 5/1461864 chromosomes in the general population by the Genome Aggregation Database (gnomAD). Based on the available evidence, this variant is classified as Likely Pathogenic.

Ambry Genetics
Classification: Pathogenic for Hereditary cancer-predisposing syndrome. Last evaluated: 2025-04-22. Review status: criteria provided, single submitter. Criteria: Ambry Variant Classification Scheme 2023. Collection method: clinical testing. Allele origin: germline.
Comment: The p.R179W pathogenic mutation (also known as c.535C>T), located in coding exon 7 of the BAP1 gene, results from a C to T substitution at nucleotide position 535. The arginine at codon 179 is replaced by tryptophan, an amino acid with dissimilar properties. This alteration has been observed in at least one individual with a personal and/or family history that is consistent with BAP1-related disease (Ambry internal data; external communication; Bell HN et al. Cold Spring Harb Mol Case Stud, 2022 Apr;8:; Vimercati L et al. Front Oncol, 2022 Aug;12:966063). Additionally, IHC studies on the uveal melanoma showed loss of expression of BAP1 (Vimercati L et al. Front Oncol, 2022 Aug;12:966063). This alteration was non-functional in a high throughput genome editing haploid cell survival functional assay (Waters AJ et al. Nat Genet, 2024 Jul;56:1434-1445). (Waters AJ et al. Nat Genet, 2024 Jul;56:1434-1445). This variant is considered to be rare based on population cohorts in the Genome Aggregation Database (gnomAD). This amino acid position is highly conserved in available vertebrate species. In addition, this alteration is predicted to be deleterious by in silico analysis. Based on the supporting evidence, this variant is interpreted as a disease-causing mutation.

MGZ Medical Genetics Center
Classification: Uncertain significance for BAP1-related tumor predisposition syndrome. Last evaluated: 2022-01-03. Review status: criteria provided, single submitter. Criteria: ACMG Guidelines, 2015. Collection method: clinical testing. Allele origin: germline. Affected: yes. Observed: 1 variant allele.
Comment: ACMG criteria applied: PM2_SUP, BP4

Michigan Center for Translational Pathology, University of Michigan
Classification: Likely pathogenic for clear cell renal cell carcinoma. Last evaluated: 2022-03-23. Review status: no assertion criteria provided. Collection method: clinical testing. Allele origin: germline. Inheritance: Autosomal recessive inheritance. Affected: yes. Observed: 1 homozygote. Not counted in ClinVar's aggregate classification.
Comment: BAP1 c.535C>T; The tumor sample from this patient was found to display a loss of BAP1 staining as assessed by immunohistochemistry (IHC), similar to the loss of staining in case of a missense variant of BAP1 (p.T93A) in renal cell carcinoma, associated with pathogenicity (Popova et al. 2013). The germline BAP1 p.R179W mutation is a recurrent somatic mutation reported in four cases in the COSMIC database; in renal cell carcinoma, biliary tract cancer, and lung cancer. BAP1 is a tumor suppressor gene involved in DNA damage repair, cell cycle and cellular differentiation. BAP1 mutation is associated with a syndrome of uveal melanoma, mesothelioma, and clear cell renal carcinoma(Peña-Llopis et al. 2012; Carlo et al. 2019). Renal cell carcinoma with BAP1 mutation has been reported to have a rapidly progressing aggressive clinical course(Carlo et al. 2019).

Literature cited by the submitters: PubMed 35483881 (cited by 3 submitters); PubMed 35992853 (cited by 3 submitters); PubMed 38969833 (cited by 3 submitters); PubMed 41015595 (cited by Color Diagnostics, LLC DBA Color Health); DOI 10.1016/j.ajhg.2013.04.012 (cited by Michigan Center for Translational Pathology, University of Michigan); DOI 10.1038/ng.2323 (cited by Michigan Center for Translational Pathology, University of Michigan); DOI 10.1016/j.eururo.2019.06.015 (cited by Michigan Center for Translational Pathology, University of Michigan).

NM_004656.4(BAP1):c.535C>T (p.Arg179Trp)

Gene: BAP1 (BRCA1 associated deubiquitinase 1; minus strand). Cytogenetic location: 3p21.1.
Variant type: single nucleotide variant.
Coding change: c.535C>T on transcript NM_004656.4 (MANE Select); coding-DNA position 535, C replaced by T.
Protein change: p.Arg179Trp; replaces arginine 179 with tryptophan.
Molecular consequence: missense variant.
Genome position (GRCh38, 1-based): chr3:52,407,219, G>A on the plus strand (C>T on the coding strand, the complement: BAP1 is on the minus strand). VCF-style: chr3-52407219-G-A. GRCh37 (hg19) VCF-style: chr3-52441235-G-A.
Other names: c.535C>T (NM_004656.2); short protein forms R179W.
Identifiers: ClinVar variation 861467 (VCV000861467.23), dbSNP rs910211860, ClinGen allele CA74743729.
Genomic context (GRCh38, chr3:52,407,219, plus strand): 5'-GCTCATGGTGCCTACCATGGTCAATGGGGTAGACCTTCAGCCCATCCAGCTCAAAGAGCC[G>A]GCCTGTGATAGGCACATAGCTGACAAAGTGGAACGCCTCCATGGTCCGCACTGCACTAAG-3'
Protein context (NP_004647.1, residues 169-189): HFVSYVPITG[Arg179Trp]LFELDGLKVY